The following is an entry in ClinVar:

NM_016729.3(FOLR1):c.181_182del (p.Arg61fs)

Genes: FOLR1-AS1 (FOLR1 antisense RNA 1; minus strand), FOLR1 (folate receptor alpha; plus strand). Cytogenetic location: 11q13.4.
Variant type: Deletion.
Coding change: c.181_182del on transcript NM_016729.3 (MANE Select); coding-DNA positions 181 to 182, 2 bases deleted (AG; older notation c.181_182delAG).
Protein change: p.Arg61fs; shifts the reading frame from arginine 61.
Molecular consequence: frameshift variant.
Genome position (GRCh38, 1-based): chr11:72,195,283-72,195,284, AG deleted; deleting any 2 consecutive bases within chr11:72,195,282-72,195,284 gives the same sequence; the c. name uses the placement nearest the transcript's 3' end. VCF-style (leftmost placement, unchanged base first): chr11-72195281-GGA-G. GRCh37 (hg19) VCF-style: chr11-71906325-GGA-G.
Other names: c.181_182del, p.Arg61fs (NM_000802.3, NM_016724.3, NM_016725.3); c.181_182delAG, p.Arg61Glufs (NM_016731.2); short protein forms R61fs.
Identifiers: ClinVar variation 2835572 (VCV002835572.3), dbSNP rs2539131119, ClinGen allele CA2574912464.

ClinVar aggregate classification (germline): Pathogenic (1 of 4 stars; one submission).

Conditions:
Cerebral folate transport deficiency. Also called: Cerebral folate deficiency syndrome; Neurodegenerative syndrome due to cerebral folate transport deficiency; FOLATE RECEPTOR DEFICIENCY; FOLR1-Related Cerebral Folate Transport Deficiency; NEURODEGENERATION DUE TO CEREBRAL FOLATE TRANSPORT DEFICIENCY. Identifiers: Orphanet 217382, MedGen C2751584, MONDO:0013110, OMIM 613068. Disease mechanism: loss of function.

Submission:

Labcorp Genetics (formerly Invitae), Labcorp
Classification: Pathogenic for Cerebral folate transport deficiency. Last evaluated: 2023-02-08. Review status: criteria provided, single submitter. Criteria: Invitae Variant Classification Sherloc (09022015). Collection method: clinical testing. Allele origin: germline.
Comment: For these reasons, this variant has been classified as Pathogenic. This variant has not been reported in the literature in individuals affected with FOLR1-related conditions. This variant is not present in population databases (gnomAD no frequency). This sequence change creates a premature translational stop signal (p.Arg61Glufs*15) in the FOLR1 gene. It is expected to result in an absent or disrupted protein product. Loss-of-function variants in FOLR1 are known to be pathogenic (PMID: 19732866, 22586289).

Literature cited by the submitters: PubMed 19732866; PubMed 22586289.